The following is an entry in ClinVar:

ClinVar aggregate classification (germline): Uncertain significance (1 of 4 stars; one submission).

Conditions:
Inborn genetic diseases. Identifiers: MedGen C0950123, MeSH D030342.

gnomAD v4.1: 4 of 1,612,640 alleles (0.00025%); highest among the groups gnomAD compares: Admixed American, 0.0067%; no homozygotes.

Submission:

Ambry Genetics
Classification: Uncertain significance for Inborn genetic diseases. Last evaluated: 2024-11-02. Review status: criteria provided, single submitter. Criteria: Ambry Variant Classification Scheme 2023. Collection method: clinical testing. Allele origin: germline.
Comment: The p.Y1236H variant (also known as c.3706T>C), located in coding exon 19 of the ATR gene, results from a T to C substitution at nucleotide position 3706. The tyrosine at codon 1236 is replaced by histidine, an amino acid with similar properties. This amino acid position is conserved. In addition, this alteration is predicted to be tolerated by in silico analysis. Based on the available evidence, the clinical significance of this variant remains unclear.

NM_001184.4(ATR):c.3706T>C (p.Tyr1236His)

Gene: ATR (ATR serine/threonine kinase; minus strand). Cytogenetic location: 3q23.
Variant type: single nucleotide variant.
Coding change: c.3706T>C on transcript NM_001184.4 (MANE Select); coding-DNA position 3706, T replaced by C.
Protein change: p.Tyr1236His; replaces tyrosine 1236 with histidine.
Molecular consequence: missense variant.
Genome position (GRCh38, 1-based): chr3:142,538,501, A>G on the plus strand (T>C on the coding strand, the complement: ATR is on the minus strand). VCF-style: chr3-142538501-A-G. GRCh37 (hg19) VCF-style: chr3-142257343-A-G.
Other names: c.3514T>C, p.Tyr1172His (NM_001354579.2); short protein forms Y1236H, Y1172H.
Identifiers: ClinVar variation 3461488 (VCV003461488.1).